The following is an entry in ClinVar:

ClinVar aggregate classification (germline): Uncertain significance. Review status: criteria provided, multiple submitters, no conflicts (2 of 4 stars). 2 submissions from 2 submitters: Uncertain significance (2). Last evaluated 2022-01-11.

Conditions:
RYR1-related disorder. Also called: RYR1-related condition; RYR1-related disorders. Identifiers: MedGen CN239331.

Allele frequency attached by ClinVar (database versions not stated): gnomAD exomes below 0.00001; TOPMed below 0.00001; ExAC 0.00001; ESP Exome Variant Server 0.00008.

Submissions (2):

Labcorp Genetics (formerly Invitae), Labcorp
Classification: Uncertain significance for RYR1-related disorder. Last evaluated: 2022-01-11. Review status: criteria provided, single submitter. Criteria: Invitae Variant Classification Sherloc (09022015). Collection method: clinical testing. Allele origin: germline.
Comment: This sequence change replaces methionine, which is neutral and non-polar, with isoleucine, which is neutral and non-polar, at codon 4881 of the RYR1 protein (p.Met4881Ile). This missense change has been observed in individual(s) with autosomal recessive congenital myopathy (PMID: 26841830). In at least one individual the data is consistent with being in trans (on the opposite chromosome) from a pathogenic variant. It has also been observed to segregate with disease in related individuals. Algorithms developed to predict the effect of missense changes on protein structure and function are either unavailable or do not agree on the potential impact of this missense change (SIFT: "Deleterious"; PolyPhen-2: "Benign"; Align-GVGD: "Class C0"). In summary, the available evidence is currently insufficient to determine the role of this variant in disease. Therefore, it has been classified as a Variant of Uncertain Significance. This variant is present in population databases (rs376677576, gnomAD 0.007%).

Revvity Omics, Revvity
Classification: Uncertain significance. Last evaluated: 2019-08-27. Review status: criteria provided, single submitter. Criteria: ACMG Guidelines, 2015. Collection method: clinical testing. Allele origin: germline.

Literature cited by the submitters: PubMed 26841830 (cited by Labcorp Genetics (formerly Invitae), Labcorp).

NM_000540.3(RYR1):c.14643G>T (p.Met4881Ile)

Gene: RYR1 (ryanodine receptor 1; plus strand). Cytogenetic location: 19q13.2.
Variant type: single nucleotide variant.
Coding change: c.14643G>T on transcript NM_000540.3 (MANE Select); coding-DNA position 14643, G replaced by T.
Protein change: p.Met4881Ile; replaces methionine 4881 with isoleucine.
Molecular consequence: missense variant.
Genome position (GRCh38, 1-based): chr19:38,580,501, G>T. VCF-style: chr19-38580501-G-T. GRCh37 (hg19) VCF-style: chr19-39071141-G-T.
Other names: c.14643G>T (NM_000540.2); c.14628G>T, p.Met4876Ile (NM_001042723.2); short protein forms M4876I, M4881I.
Identifiers: ClinVar variation 1493691 (VCV001493691.9), dbSNP rs376677576, ClinGen allele CA061439.